The following is an entry in ClinVar:

NM_003172.4(SURF1):c.237G>A (p.Trp79Ter)

Gene: SURF1 (SURF1 cytochrome c oxidase assembly factor; minus strand). Cytogenetic location: 9q34.2.
Variant type: single nucleotide variant.
Coding change: c.237G>A on transcript NM_003172.4 (MANE Select); coding-DNA position 237, G replaced by A.
Protein change: p.Trp79Ter; replaces tryptophan 79 with a stop codon.
Molecular consequence: nonsense. On other transcripts: 5 prime UTR variant (1).
Genome position (GRCh38, 1-based): chr9:133,354,827, C>T on the plus strand (G>A on the coding strand, the complement: SURF1 is on the minus strand). VCF-style: chr9-133354827-C-T. GRCh37 (hg19) VCF-style: chr9-136221682-C-T.
Other names: c.-91G>A (NM_001280787.1); short protein forms W79*.
Identifiers: ClinVar variation 4293337 (VCV004293337.1).

ClinVar aggregate classification (germline): Pathogenic (1 of 4 stars; one submission).

Conditions:
Mitochondrial complex IV deficiency, nuclear type 1 (MC4DN1). Also called: Complex 4 mitochondrial respiratory chain deficiency; Deficiency of mitochondrial respiratory chain complex4; Complex IV deficiency; COX DEFICIENCY; Mitochondrial complex IV deficiency. Identifiers: MedGen C5435656, MONDO:0700250, OMIM 220110. Disease mechanism: loss of function.

Submission:

3billion
Classification: Pathogenic for Mitochondrial complex IV deficiency, nuclear type 1. Last evaluated: 2024-08-29. Review status: criteria provided, single submitter. Criteria: ACMG Guidelines, 2015. Collection method: clinical testing. Allele origin: germline. Affected: yes.
Comment: The variant is observed at an extremely low frequency in the gnomAD v4.0.0 dataset (total allele frequency: <0.001%). Predicted Consequence/Location: Stop-gained (nonsense): predicted to result in a loss or disruption of normal protein function through nonsense-mediated decay (NMD) or protein truncation. Multiple pathogenic variants are reported downstream of the variant. The variant has been reported to be in trans with a pathogenic variant as either compound heterozygous or homozygous in at least one similarly affected unrelated individual (PMID: 24462369). The variant has been reported to be associated with SURF1-related disorder (PMID: 24462369). Therefore, this variant is classified as Pathogenic according to the recommendation of ACMG/AMP guideline.

Literature cited by the submitters: PubMed 24462369.